The following is an entry in ClinVar:

ClinVar aggregate classification (germline): Likely pathogenic (1 of 4 stars; one submission).

Conditions:
Autism spectrum disorder due to AUTS2 deficiency (MRD26). Also called: INTELLECTUAL DEVELOPMENTAL DISORDER, AUTOSOMAL DOMINANT 26. Identifiers: Orphanet 352490, MedGen C4014435, MONDO:0014361, OMIM 615834.

Submission:

Molecular Genetics Laboratory, Motol Hospital
Classification: Likely pathogenic for Autism spectrum disorder due to AUTS2 deficiency. Last evaluated: 2024-11-27. Review status: criteria provided, single submitter. Criteria: ACMG Guidelines, 2015. Collection method: clinical testing. Allele origin: germline. Affected: yes. Observed: 1 variant allele.
Comment: Rare splicing variants affecting the AUTS2 gene are documented as a molecular cause of "autosomal dominant intellectual developmental disorder 26" (MRD26, OMIM:615834) (PMID:27075013;25205402;23332918). There is a different splicing variant c.1214+1G>A in the LOVD database, classified as pathogenic/likely pathogenic (DB-ID: AUTS2_000154). To conclude, the variant is classified as likely pathogenic (ACMG PVS1, PM2).

Literature cited by the submitters: PubMed 27075013; PubMed 25205402; PubMed 23332918.

NM_015570.4(AUTS2):c.1214+1G>T

Gene: AUTS2 (activator of transcription and developmental regulator AUTS2; plus strand). Cytogenetic location: 7q11.22.
Variant type: single nucleotide variant.
Coding change: c.1214+1G>T on transcript NM_015570.4 (MANE Select); the canonical splice donor site of the intron after coding-DNA position 1214, G replaced by T.
Molecular consequence: splice donor variant.
Genome position (GRCh38, 1-based): chr7:70,763,342, G>T. VCF-style: chr7-70763342-G-T. GRCh37 (hg19) VCF-style: chr7-70228328-G-T.
Other names: c.1214+1G>T (NM_001127231.3).
Identifiers: ClinVar variation 3381755 (VCV003381755.2).